The following is an entry in ClinVar:

ClinVar aggregate classification (germline): Uncertain significance (1 of 4 stars; one submission).

Conditions:
Cardiovascular phenotype. Identifiers: MedGen CN230736.

Allele frequency attached by ClinVar (database versions not stated): gnomAD exomes below 0.00001.
gnomAD v4.1: 2 of 1,614,102 alleles (0.00012%); highest among the groups gnomAD compares: Non-Finnish European, 0.00017%; no homozygotes.

Submission:

Ambry Genetics
Classification: Uncertain significance for Cardiovascular phenotype. Last evaluated: 2019-11-11. Review status: criteria provided, single submitter. Criteria: Ambry Variant Classification Scheme 2023. Collection method: clinical testing. Allele origin: germline.
Comment: The p.V183M variant (also known as c.547G>A), located in coding exon 4 of the SCN2B gene, results from a G to A substitution at nucleotide position 547. The valine at codon 183 is replaced by methionine, an amino acid with highly similar properties. This amino acid position is well conserved in available vertebrate species. In addition, the in silico prediction for this alteration is inconclusive. Since supporting evidence is limited at this time, the clinical significance of this alteration remains unclear.

NM_004588.5(SCN2B):c.547G>A (p.Val183Met)

Gene: SCN2B (sodium voltage-gated channel beta subunit 2; minus strand). Cytogenetic location: 11q23.3.
Variant type: single nucleotide variant.
Coding change: c.547G>A on transcript NM_004588.5 (MANE Select); coding-DNA position 547, G replaced by A.
Protein change: p.Val183Met; replaces valine 183 with methionine.
Molecular consequence: missense variant.
Genome position (GRCh38, 1-based): chr11:118,166,988, C>T on the plus strand (G>A on the coding strand, the complement: SCN2B is on the minus strand). VCF-style: chr11-118166988-C-T. GRCh37 (hg19) VCF-style: chr11-118037703-C-T.
Other names: short protein forms V183M.
Identifiers: ClinVar variation 1747789 (VCV001747789.2), dbSNP rs2497598930, ClinGen allele CA382783663.